The following is an entry in ClinVar:

NM_004415.4(DSP):c.3084G>A (p.Lys1028=)

Gene: DSP (desmoplakin; plus strand). Cytogenetic location: 6p24.3.
Variant type: single nucleotide variant.
Coding change: c.3084G>A on transcript NM_004415.4 (MANE Select); coding-DNA position 3084, G replaced by A.
Protein change: p.Lys1028=; no amino-acid change (lysine 1028 retained).
Molecular consequence: synonymous variant.
Genome position (GRCh38, 1-based): chr6:7,578,562, G>A. VCF-style: chr6-7578562-G-A. GRCh37 (hg19) VCF-style: chr6-7578795-G-A.
Other names: c.3084G>A, p.Lys1028= (NM_001008844.3, NM_001319034.2); c.3084G>A (LRG_423t1).
Identifiers: ClinVar variation 650632 (VCV000650632.9), dbSNP rs964949139, ClinGen allele CA133965908.

ClinVar aggregate classification (germline): Uncertain significance. Review status: criteria provided, multiple submitters, no conflicts (2 of 4 stars). 2 submissions from 2 submitters: Uncertain significance (2). Last evaluated 2019-08-29.

Conditions:
Cardiovascular phenotype. Identifiers: MedGen CN230736.
Arrhythmogenic cardiomyopathy with wooly hair and keratoderma. Also called: Arrhythmogenic cardiomyopathy with woolly hair and keratoderma; Carvajal syndrome; PALMOPLANTAR KERATODERMA WITH LEFT VENTRICULAR CARDIOMYOPATHY AND WOOLLY HAIR; Dilated cardiomyopathy with woolly hair and keratoderma. Identifiers: Orphanet 65282, MedGen C1854063, MONDO:0011581, OMIM 605676.
Arrhythmogenic right ventricular dysplasia 8 (ARVD8). Also called: Arrhythmogenic Right Ventricular Dysplasia/Cardiomyopathy 8; ARRHYTHMOGENIC RIGHT VENTRICULAR DYSPLASIA, FAMILIAL, 8; ARRHYTHMOGENIC RIGHT VENTRICULAR CARDIOMYOPATHY 8. Identifiers: MedGen C1843896, MONDO:0011831, OMIM 607450.

Allele frequency attached by ClinVar (database versions not stated): gnomAD 0.00001; TOPMed 0.00001.
gnomAD v4.1: 9 of 1,610,662 alleles (0.00056%); highest among the groups gnomAD compares: African/African-American, 0.0013%; no homozygotes.

Submissions (2):

Ambry Genetics
Classification: Uncertain significance for Cardiovascular phenotype. Last evaluated: 2019-08-29. Review status: criteria provided, single submitter. Criteria: Ambry Variant Classification Scheme 2023. Collection method: clinical testing. Allele origin: germline.
Comment: The c.3084G>A variant (also known as p.K1028K), located in coding exon 22 of the DSP gene, results from a G to A substitution at nucleotide position 3084. This nucleotide substitution does not change the at codon 1028. However, this change occurs in the last base pair of coding exon 22, which makes it likely to have some effect on normal mRNA splicing. This nucleotide position is highly conserved in available vertebrate species. Using the BDGP and ESEfinder splice site prediction tools, this alteration is predicted to abolish the native splice donor site; however, direct evidence is unavailable. Since supporting evidence is limited at this time, the clinical significance of this alteration remains unclear.

Labcorp Genetics (formerly Invitae), Labcorp
Classification: Uncertain significance for Arrhythmogenic cardiomyopathy with wooly hair and keratoderma; Arrhythmogenic right ventricular dysplasia 8. Last evaluated: 2018-11-01. Review status: criteria provided, single submitter. Criteria: Invitae Variant Classification Sherloc (09022015). Collection method: clinical testing. Allele origin: germline.
Comment: This sequence change affects codon 1028 of the DSP mRNA. It is a 'silent' change, meaning that it does not change the encoded amino acid sequence of the DSP protein. This variant also falls at the last nucleotide of exon 22 of the DSP coding sequence, which is part of the consensus splice site for this exon. This variant is not present in population databases (ExAC no frequency). This variant has not been reported in the literature in individuals with DSP-related disease. Nucleotide substitutions within the consensus splice site are a relatively common cause of aberrant splicing (PMID: 17576681, 9536098). Algorithms developed to predict the effect of sequence changes on RNA splicing suggest that this variant may disrupt the consensus splice site, but this prediction has not been confirmed by published transcriptional studies. In summary, the available evidence is currently insufficient to determine the role of this variant in disease. Therefore, it has been classified as a Variant of Uncertain Significance.

Literature cited by the submitters: PubMed 17576681 (cited by Labcorp Genetics (formerly Invitae), Labcorp); PubMed 9536098 (cited by Labcorp Genetics (formerly Invitae), Labcorp).